The following is an entry in ClinVar:

ClinVar aggregate classification (germline): Uncertain significance. Review status: criteria provided, multiple submitters, no conflicts (2 of 4 stars). 2 submissions from 2 submitters: Uncertain significance (2). Last evaluated 2023-10-05.

Conditions:
Inborn genetic diseases. Identifiers: MedGen C0950123, MeSH D030342.

Allele frequency attached by ClinVar (database versions not stated): gnomAD 0.00001; TOPMed 0.00001.
gnomAD v4.1: 2 of 1,614,060 alleles (0.00012%); highest among the groups gnomAD compares: Admixed American, 0.0017%; no homozygotes.

Submissions (2):

Labcorp Genetics (formerly Invitae), Labcorp
Classification: Uncertain significance. Last evaluated: 2023-10-05. Review status: criteria provided, single submitter. Criteria: Invitae Variant Classification Sherloc (09022015). Collection method: clinical testing. Allele origin: germline.
Comment: This sequence change replaces glycine, which is neutral and non-polar, with tryptophan, which is neutral and slightly polar, at codon 975 of the ADNP protein (p.Gly975Trp). This variant is not present in population databases (gnomAD no frequency). This variant has not been reported in the literature in individuals affected with ADNP-related conditions. ClinVar contains an entry for this variant (Variation ID: 1352571). An algorithm developed to predict the effect of missense changes on protein structure and function (PolyPhen-2) suggests that this variant is likely to be disruptive. In summary, the available evidence is currently insufficient to determine the role of this variant in disease. Therefore, it has been classified as a Variant of Uncertain Significance.

Ambry Genetics
Classification: Uncertain significance for Inborn genetic diseases. Last evaluated: 2017-07-19. Review status: criteria provided, single submitter. Criteria: Ambry Variant Classification Scheme 2023. Collection method: clinical testing. Allele origin: germline.
Comment: The p.G975W variant (also known as c.2923G>T), located in coding exon 3 of the ADNP gene, results from a G to T substitution at nucleotide position 2923. The glycine at codon 975 is replaced by tryptophan, an amino acid with highly dissimilar properties. This amino acid position is well conserved in available vertebrate species. In addition, the in silico prediction for this alteration is inconclusive. Since supporting evidence is limited at this time, the clinical significance of this alteration remains unclear.

NM_001282531.3(ADNP):c.2923G>T (p.Gly975Trp)

Gene: ADNP (activity dependent neuroprotector homeobox; minus strand). Cytogenetic location: 20q13.13.
Variant type: single nucleotide variant.
Coding change: c.2923G>T on transcript NM_001282531.3 (MANE Select); coding-DNA position 2923, G replaced by T.
Protein change: p.Gly975Trp; replaces glycine 975 with tryptophan.
Molecular consequence: missense variant.
Genome position (GRCh38, 1-based): chr20:50,891,791, C>A on the plus strand (G>T on the coding strand, the complement: ADNP is on the minus strand). VCF-style: chr20-50891791-C-A. GRCh37 (hg19) VCF-style: chr20-49508328-C-A.
Other names: c.2923G>T, p.Gly975Trp (NM_001282532.2, NM_001347511.2, NM_015339.5 and 1 more transcripts); short protein forms G975W.
Identifiers: ClinVar variation 1352571 (VCV001352571.8), dbSNP rs1980766074, ClinGen allele CA408967491.